The following is an entry in ClinVar:

NM_004304.5(ALK):c.1042G>A (p.Ala348Thr)

Gene: ALK (ALK receptor tyrosine kinase; minus strand). Cytogenetic location: 2p23.2.
Variant type: single nucleotide variant.
Coding change: c.1042G>A on transcript NM_004304.5 (MANE Select); coding-DNA position 1042, G replaced by A.
Protein change: p.Ala348Thr; replaces alanine 348 with threonine.
Molecular consequence: missense variant.
Genome position (GRCh38, 1-based): chr2:29,532,027, C>T on the plus strand (G>A on the coding strand, the complement: ALK is on the minus strand). VCF-style: chr2-29532027-C-T. GRCh37 (hg19) VCF-style: chr2-29754893-C-T.
Other names: short protein forms A348T.
Identifiers: ClinVar variation 567481 (VCV000567481.10), dbSNP rs763611527, ClinGen allele CA1594778.

ClinVar aggregate classification (germline): Conflicting classifications of pathogenicity. Review status: criteria provided, conflicting classifications (1 of 4 stars). 3 submissions from 3 submitters: Uncertain significance (2); Benign (1). Last evaluated 2026-01-04.

Conditions:
Hereditary cancer-predisposing syndrome. Also called: Neoplastic Syndromes, Hereditary; Tumor predisposition; Hereditary Cancer Syndrome; Hereditary neoplastic syndrome. Identifiers: Orphanet 140162, MedGen C0027672, MeSH D009386, MONDO:0015356.
Neuroblastoma, susceptibility to, 3. Also called: ALK-Related Neuroblastic Tumor Susceptibility. Identifiers: Orphanet 635, MedGen C2751681, MONDO:0013083, OMIM 613014.

Allele frequency attached by ClinVar (database versions not stated): gnomAD exomes below 0.00001 and 0.00004; ExAC 0.00002; TOPMed 0.00003.
gnomAD v4.1: 6 of 1,614,098 alleles (0.00037%); highest among the groups gnomAD compares: East Asian, 0.011%; no homozygotes.

Submissions (3):

Labcorp Genetics (formerly Invitae), Labcorp
Classification: Uncertain significance for Neuroblastoma, susceptibility to, 3. Last evaluated: 2026-01-04. Review status: criteria provided, single submitter. Criteria: Invitae Variant Classification Sherloc (09022015). Collection method: clinical testing. Allele origin: germline.
Comment: This sequence change replaces alanine, which is neutral and non-polar, with threonine, which is neutral and polar, at codon 348 of the ALK protein (p.Ala348Thr). This variant is present in population databases (rs763611527, gnomAD 0.05%). This variant has not been reported in the literature in individuals affected with ALK-related conditions. ClinVar contains an entry for this variant (Variation ID: 567481). An algorithm developed to predict the effect of missense changes on protein structure and function (PolyPhen-2) suggests that this variant is likely to be disruptive. In summary, the available evidence is currently insufficient to determine the role of this variant in disease. Therefore, it has been classified as a Variant of Uncertain Significance.

Ambry Genetics
Classification: Benign for Hereditary cancer-predisposing syndrome. Last evaluated: 2024-06-25. Review status: criteria provided, single submitter. Criteria: Ambry Variant Classification Scheme 2023. Collection method: clinical testing. Allele origin: germline.

Department of Pathology and Laboratory Medicine, Sinai Health System
Classification: Uncertain significance for neuroblastoma, susceptibility to, 3. Last evaluated: 2020-08-17. Review status: criteria provided, single submitter. Criteria: ACMG Guidelines, 2015. Collection method: research. Allele origin: germline.